The following is an entry in ClinVar:

NM_004484.4(GPC3):c.1268G>A (p.Trp423Ter)

Gene: GPC3 (glypican 3; minus strand). Cytogenetic location: Xq26.2.
Variant type: single nucleotide variant.
Coding change: c.1268G>A on transcript NM_004484.4 (MANE Select); coding-DNA position 1268, G replaced by A.
Protein change: p.Trp423Ter; replaces tryptophan 423 with a stop codon.
Molecular consequence: nonsense.
Genome position (GRCh38, 1-based): chrX:133,692,393, C>T on the plus strand (G>A on the coding strand, the complement: GPC3 is on the minus strand). VCF-style: chrX-133692393-C-T. GRCh37 (hg19) VCF-style: chrX-132826421-C-T.
Other names: c.1337G>A, p.Trp446Ter (NM_001164617.2); c.1220G>A, p.Trp407Ter (NM_001164618.2); c.1106G>A, p.Trp369Ter (NM_001164619.2); short protein forms W423*, W446*, W369*, W407*.
Identifiers: ClinVar variation 2027561 (VCV002027561.4), dbSNP rs2071072751, ClinGen allele CA414705373.
Genomic context (GRCh38, chrX:133,692,393, plus strand): 5'-CAAATATTGCTATATGTAACTTTCAAAAAAGATCACCTCTCCACGAGTTCTTGTCCATTC[C>T]AGCAAAGGGTGTCGTTTTCCGCCACAGGGCTATGGCTGCAGATGTAGCCAGGCAAAGCAC-3'

ClinVar aggregate classification (germline): Pathogenic (1 of 4 stars; one submission).

Conditions:
Wilms tumor 1 (WT1). Also called: Wilms tumor, somatic. Identifiers: Orphanet 654, MedGen CN033288, MONDO:0008679, OMIM 194070.

Submission:

Labcorp Genetics (formerly Invitae), Labcorp
Classification: Pathogenic for Wilms tumor 1. Last evaluated: 2022-08-28. Review status: criteria provided, single submitter. Criteria: Invitae Variant Classification Sherloc (09022015). Collection method: clinical testing. Allele origin: germline.
Comment: This variant is not present in population databases (gnomAD no frequency). This variant has not been reported in the literature in individuals affected with GPC3-related conditions. For these reasons, this variant has been classified as Pathogenic. This sequence change creates a premature translational stop signal (p.Trp423*) in the GPC3 gene. It is expected to result in an absent or disrupted protein product. Loss-of-function variants in GPC3 are known to be pathogenic (PMID: 10402475, 12713262, 17603795).

Literature cited by the submitters: PubMed 10402475; PubMed 12713262; PubMed 17603795.